The following is an entry in ClinVar:

ClinVar aggregate classification (germline): Benign. Review status: criteria provided, multiple submitters, no conflicts (2 of 4 stars). 2 submissions from 2 submitters: Benign (2). Last evaluated 2023-11-12.

Allele frequency attached by ClinVar (database versions not stated): 1000 Genomes Project 30x 0.78592; 1000 Genomes Project 0.79253; TOPMed 0.80561.
gnomAD v4.1: 124,176 of 152,208 alleles (82%); highest among the groups gnomAD compares: South Asian, 88%; 50,883 homozygotes.

Submissions (2):

Unidad de Genómica Garrahan, Hospital de Pediatría Garrahan
Classification: Benign. Last evaluated: 2023-11-12. Review status: criteria provided, single submitter. Criteria: ACMG Guidelines, 2015. Collection method: clinical testing. Allele origin: germline. Affected: no. Observed: 73 variant alleles.
Comment: This variant is classified as Benign based on local population frequency. This variant was detected in 76% of patients studied by a panel of primary immunodeficiencies. Number of patients: 73. Only high quality variants are reported.

GeneDx
Classification: Benign. Last evaluated: 2018-11-10. Review status: criteria provided, single submitter. Criteria: GeneDx Variant Classification Process June 2021. Collection method: clinical testing. Allele origin: germline. Affected: yes.

NM_001261826.3(AP3D1):c.2349+182A>G

Gene: AP3D1 (adaptor related protein complex 3 subunit delta 1; minus strand). Cytogenetic location: 19p13.3.
Variant type: single nucleotide variant.
Coding change: c.2349+182A>G on transcript NM_001261826.3 (MANE Select); 182 bases into the intron after coding-DNA position 2349, A replaced by G.
Molecular consequence: intron variant.
Genome position (GRCh38, 1-based): chr19:2,115,037, T>C on the plus strand (A>G on the coding strand, the complement: AP3D1 is on the minus strand). VCF-style: chr19-2115037-T-C. GRCh37 (hg19) VCF-style: chr19-2115036-T-C.
Other names: c.2349+182A>G (NM_003938.8, NM_001374799.1).
Identifiers: ClinVar variation 1221041 (VCV001221041.5), dbSNP rs2240653, ClinGen allele CA14631267.